The following is an entry in ClinVar:

ClinVar aggregate classification (germline): Uncertain significance. Review status: criteria provided, multiple submitters, no conflicts (2 of 4 stars). 2 submissions from 2 submitters: Uncertain significance (2). Last evaluated 2024-05-06.

Conditions:
Familial ovarian cancer. Identifiers: MedGen C5679802, MONDO:0016248.
Fanconi anemia complementation group O. Also called: RAD51C-Related Fanconi Anemia. Identifiers: Orphanet 84, MedGen C3150653, MONDO:0013248, OMIM 613390.

Submissions (2):

Molecular Pathology, Peter Maccallum Cancer Centre
Classification: Uncertain significance for Familial ovarian cancer. Last evaluated: 2024-05-06. Review status: criteria provided, single submitter. Criteria: ACMG Guidelines, 2015. Collection method: clinical testing. Allele origin: germline. Inheritance: Autosomal dominant inheritance.

Labcorp Genetics (formerly Invitae), Labcorp
Classification: Uncertain significance for Fanconi anemia complementation group O. Last evaluated: 2021-09-10. Review status: criteria provided, single submitter. Criteria: Invitae Variant Classification Sherloc (09022015). Collection method: clinical testing. Allele origin: germline.
Comment: This variant has not been reported in the literature in individuals affected with RAD51C-related conditions. This variant is not present in population databases (ExAC no frequency). This sequence change replaces lysine with arginine at codon 48 of the RAD51C protein (p.Lys48Arg). The lysine residue is moderately conserved and there is a small physicochemical difference between lysine and arginine. Algorithms developed to predict the effect of missense changes on protein structure and function output the following: SIFT: "Tolerated"; PolyPhen-2: "Benign"; Align-GVGD: "Class C0". The arginine amino acid residue is found in multiple mammalian species, which suggests that this missense change does not adversely affect protein function. In summary, the available evidence is currently insufficient to determine the role of this variant in disease. Therefore, it has been classified as a Variant of Uncertain Significance.

NM_058216.3(RAD51C):c.143A>G (p.Lys48Arg)

Gene: RAD51C (RAD51 paralog C; plus strand). Cytogenetic location: 17q22.
Variant type: single nucleotide variant.
Coding change: c.143A>G on transcript NM_058216.3 (MANE Select); coding-DNA position 143, A replaced by G.
Protein change: p.Lys48Arg; replaces lysine 48 with arginine.
Molecular consequence: missense variant. On other transcripts: non-coding transcript variant (1).
Genome position (GRCh38, 1-based): chr17:58,692,786, A>G. VCF-style: chr17-58692786-A-G. GRCh37 (hg19) VCF-style: chr17-56770147-A-G.
Other names: c.143A>G (NM_058216.2); c.143A>G, p.Lys48Arg (NM_002876.4); short protein forms K48R.
Identifiers: ClinVar variation 1502745 (VCV001502745.7), dbSNP rs2143680972, ClinGen allele CA400337882.
Genomic context (GRCh38, chr17:58,692,786, plus strand): 5'-TGTCTGCGGGGTTCCAGACTGCTGAGGAACTCCTAGAGGTGAAACCCTCCGAGCTTAGCA[A>G]AGGTAACGACTCCTGATGGCAAGCTGAGGCACACCGGCCGCCGTCAGCGCCGCCTCAGTC-3'
Protein context (NP_478123.1, residues 38-58): LLEVKPSELS[Lys48Arg]EVGISKAEAL